The following is an entry in ClinVar:

ClinVar aggregate classification (germline): Uncertain significance (1 of 4 stars; one submission).

Conditions:
Senior-Loken syndrome 8 (SLSN8). Identifiers: Orphanet 3156, MedGen C4225376, MONDO:0014579, OMIM 616307.
Asphyxiating thoracic dystrophy 5 (SRTD5). Also called: SHORT-RIB THORACIC DYSPLASIA 5 WITH OR WITHOUT POLYDACTYLY; SHORT-RIB THORACIC DYSPLASIA 5 WITHOUT POLYDACTYLY. Identifiers: Orphanet 474, MedGen C3280598, MONDO:0013717, OMIM 614376.

gnomAD v4.1: 12 of 1,613,914 alleles (0.00074%); highest among the groups gnomAD compares: South Asian, 0.0033%; no homozygotes.

Submission:

Labcorp Genetics (formerly Invitae), Labcorp
Classification: Uncertain significance for Senior-Loken syndrome 8; Asphyxiating thoracic dystrophy 5. Last evaluated: 2024-06-20. Review status: criteria provided, single submitter. Criteria: Invitae Variant Classification Sherloc (09022015). Collection method: clinical testing. Allele origin: germline.
Comment: This sequence change replaces arginine, which is basic and polar, with cysteine, which is neutral and slightly polar, at codon 477 of the WDR19 protein (p.Arg477Cys). This variant is present in population databases (rs771411868, gnomAD 0.003%). This variant has not been reported in the literature in individuals affected with WDR19-related conditions. Advanced modeling of protein sequence and biophysical properties (such as structural, functional, and spatial information, amino acid conservation, physicochemical variation, residue mobility, and thermodynamic stability) performed at Invitae indicates that this missense variant is not expected to disrupt WDR19 protein function with a negative predictive value of 80%. In summary, the available evidence is currently insufficient to determine the role of this variant in disease. Therefore, it has been classified as a Variant of Uncertain Significance.

NM_025132.4(WDR19):c.1429C>T (p.Arg477Cys)

Gene: WDR19 (WD repeat domain 19; plus strand). Cytogenetic location: 4p14.
Variant type: single nucleotide variant.
Coding change: c.1429C>T on transcript NM_025132.4 (MANE Select); coding-DNA position 1429, C replaced by T.
Protein change: p.Arg477Cys; replaces arginine 477 with cysteine.
Molecular consequence: missense variant.
Genome position (GRCh38, 1-based): chr4:39,218,055, C>T. VCF-style: chr4-39218055-C-T. GRCh37 (hg19) VCF-style: chr4-39219675-C-T.
Other names: c.949C>T, p.Arg317Cys (NM_001317924.2); short protein forms R317C, R477C.
Identifiers: ClinVar variation 3751979 (VCV003751979.1).